The following is an entry in ClinVar:

ClinVar aggregate classification (germline): Benign. Review status: criteria provided, multiple submitters, no conflicts (2 of 4 stars). 2 submissions from 2 submitters: Benign (2). Last evaluated 2018-06-14.

Allele frequency attached by ClinVar (database versions not stated): 1000 Genomes Project 0.01917; 1000 Genomes Project 30x 0.01952; ExAC 0.03238; TOPMed 0.04302; gnomAD exomes 0.04484; gnomAD 0.04633 and 0.04822.
gnomAD v4.1: 96,244 of 1,550,134 alleles (6.2%); highest among the groups gnomAD compares: Non-Finnish European, 7.3%; 3,497 homozygotes.

Submissions (2):

GeneDx
Classification: Benign. Last evaluated: 2018-06-14. Review status: criteria provided, single submitter. Criteria: GeneDx Variant Classification (06012015). Collection method: clinical testing. Allele origin: germline. Affected: yes.
Comment: This variant is considered likely benign or benign based on one or more of the following criteria: it is a conservative change, it occurs at a poorly conserved position in the protein, it is predicted to be benign by multiple in silico algorithms, and/or has population frequency not consistent with disease.

Breakthrough Genomics
Classification: Benign. Review status: criteria provided, single submitter. Criteria: ACMG Guidelines, 2015. Collection method: not provided. Allele origin: germline. Inheritance: Autosomal recessive inheritance. Affected: yes.

NM_001292063.2(OTOG):c.3289-38A>C

Gene: OTOG (otogelin; plus strand). Cytogenetic location: 11p15.1.
Variant type: single nucleotide variant.
Coding change: c.3289-38A>C on transcript NM_001292063.2 (MANE Select); 38 bases into the intron before coding-DNA position 3289, A replaced by C.
Molecular consequence: intron variant.
Genome position (GRCh38, 1-based): chr11:17,594,009, A>C. VCF-style: chr11-17594009-A-C. GRCh37 (hg19) VCF-style: chr11-17615556-A-C.
Other names: c.3325-38A>C (NM_001277269.2).
Identifiers: ClinVar variation 682740 (VCV000682740.2), dbSNP rs11024334, ClinGen allele CA5905719.